The following is an entry in ClinVar:

NM_001845.6(COL4A1):c.647A>G (p.Glu216Gly)

Gene: COL4A1 (collagen type IV alpha 1 chain; minus strand). Cytogenetic location: 13q34.
Variant type: single nucleotide variant.
Coding change: c.647A>G on transcript NM_001845.6 (MANE Select); coding-DNA position 647, A replaced by G.
Protein change: p.Glu216Gly; replaces glutamic acid 216 with glycine.
Molecular consequence: missense variant.
Genome position (GRCh38, 1-based): chr13:110,209,396, T>C on the plus strand (A>G on the coding strand, the complement: COL4A1 is on the minus strand). VCF-style: chr13-110209396-T-C. GRCh37 (hg19) VCF-style: chr13-110861743-T-C.
Other names: c.647A>G, p.Glu216Gly (NM_001303110.2); short protein forms E216G.
Identifiers: ClinVar variation 2585456 (VCV002585456.1), dbSNP rs1436113098, ClinGen allele CA388725358.

ClinVar aggregate classification (germline): Uncertain significance (1 of 4 stars; one submission).

Conditions:
Brain small vessel disease 1 with or without ocular anomalies (BSVD1). Also called: PORENCEPHALY, TYPE 1, AUTOSOMAL DOMINANT; BRAIN SMALL VESSEL DISEASE WITH HEMORRHAGE; GOULD SYNDROME 1; Brain small vessel disease with or without ocular anomalies. Identifiers: Orphanet 2940, Orphanet 36383, Orphanet 99810, MedGen C4755307, MONDO:0008289, OMIM 175780.

Allele frequency attached by ClinVar (database versions not stated): TOPMed below 0.00001; gnomAD 0.00001.
gnomAD v4.1: 1 of 1,612,308 alleles (0.000062%); highest among the groups gnomAD compares: African/African-American, 0.0013%; no homozygotes.

Submission:

Neuberg Centre For Genomic Medicine, NCGM
Classification: Uncertain significance for Brain small vessel disease 1 with or without ocular anomalies. Review status: criteria provided, single submitter. Criteria: ACMG Guidelines, 2015. Collection method: clinical testing. Allele origin: germline. Inheritance: Autosomal dominant inheritance. Affected: yes.
Comment: The missense variant in c.647A>G (p.Glu216Gly) in COL4A1 gene has not been reported previously as a pathogenic variant nor as a benign variant, to our knowledge. The p.Glu216Gly variant is novel (not in any individuals) in gnomAD Exomes and 1000 Genomes. The amino acid Glu at position 216 is changed to a Gly changing protein sequence and it might alter its composition and physico-chemical properties. The variant is predicted to be damaging by PolyPhen2 and the residue is conserved across species. The amino acid change p.Glu216Gly in COL4A1 is predicted as conserved by GERP++ and PhyloP across 100 vertebrates. For these reasons, this variant has been classified as Uncertain Significance.